The following is an entry in ClinVar:

ClinVar aggregate classification (germline): Uncertain significance. Review status: criteria provided, multiple submitters, no conflicts (2 of 4 stars). 3 submissions from 3 submitters: Uncertain significance (3). Last evaluated 2024-05-26.

Conditions:
Retinitis pigmentosa 38 (RP38). Also called: ROD-CONE DYSTROPHY, CHILDHOOD-ONSET. Identifiers: Orphanet 791, MedGen C3151228, MONDO:0013469, OMIM 613862.

Allele frequency attached by ClinVar (database versions not stated): gnomAD exomes 0.00003.
gnomAD v4.1: 47 of 1,614,142 alleles (0.0029%); highest among the groups gnomAD compares: Non-Finnish European, 0.004%; no homozygotes.

Submissions (3):

Labcorp Genetics (formerly Invitae), Labcorp
Classification: Uncertain significance. Last evaluated: 2024-05-26. Review status: criteria provided, single submitter. Criteria: Invitae Variant Classification Sherloc (09022015). Collection method: clinical testing. Allele origin: germline.
Comment: This sequence change replaces threonine, which is neutral and polar, with proline, which is neutral and non-polar, at codon 212 of the MERTK protein (p.Thr212Pro). This variant is not present in population databases (gnomAD no frequency). This missense change has been observed in individual(s) with inherited retinal disease (PMID: 27160483). ClinVar contains an entry for this variant (Variation ID: 1698891). Advanced modeling of protein sequence and biophysical properties (such as structural, functional, and spatial information, amino acid conservation, physicochemical variation, residue mobility, and thermodynamic stability) performed at Invitae indicates that this missense variant is not expected to disrupt MERTK protein function with a negative predictive value of 80%. In summary, the available evidence is currently insufficient to determine the role of this variant in disease. Therefore, it has been classified as a Variant of Uncertain Significance.

Blueprint Genetics
Classification: Uncertain significance. Last evaluated: 2022-10-25. Review status: criteria provided, single submitter. Criteria: ACMG Guidelines, 2015. Collection method: clinical testing. Allele origin: germline.

Genetics and Molecular Pathology, SA Pathology
Classification: Uncertain significance for Retinitis pigmentosa 38. Last evaluated: 2021-02-08. Review status: criteria provided, single submitter. Criteria: ACMG Guidelines, 2015. Collection method: clinical testing. Allele origin: germline. Affected: yes.

Literature cited by the submitters: PubMed 27160483 (cited by Labcorp Genetics (formerly Invitae), Labcorp).

NM_006343.3(MERTK):c.634A>C (p.Thr212Pro)

Gene: MERTK (MER proto-oncogene, tyrosine kinase; plus strand). Cytogenetic location: 2q13.
Variant type: single nucleotide variant.
Coding change: c.634A>C on transcript NM_006343.3 (MANE Select); coding-DNA position 634, A replaced by C.
Protein change: p.Thr212Pro; replaces threonine 212 with proline.
Molecular consequence: missense variant.
Genome position (GRCh38, 1-based): chr2:111,947,444, A>C. VCF-style: chr2-111947444-A-C. GRCh37 (hg19) VCF-style: chr2-112705021-A-C.
Other names: short protein forms T212P.
Identifiers: ClinVar variation 1698891 (VCV001698891.6), dbSNP rs2104704629, ClinGen allele CA348229060.